The following is an entry in ClinVar:

NM_000535.7(PMS2):c.1655A>C (p.His552Pro)

Gene: PMS2 (PMS1 homolog 2, mismatch repair system component; minus strand). Cytogenetic location: 7p22.1.
Variant type: single nucleotide variant.
Coding change: c.1655A>C on transcript NM_000535.7 (MANE Select); coding-DNA position 1655, A replaced by C.
Protein change: p.His552Pro; replaces histidine 552 with proline.
Molecular consequence: missense variant. On other transcripts: non-coding transcript variant (1), intron variant (1).
Genome position (GRCh38, 1-based): chr7:5,987,110, T>G on the plus strand (A>C on the coding strand, the complement: PMS2 is on the minus strand). VCF-style: chr7-5987110-T-G. GRCh37 (hg19) VCF-style: chr7-6026741-T-G.
Other names: c.1094A>C, p.His365Pro (NM_001322010.2, NM_001406906.1, NM_001406907.1); c.722A>C, p.His241Pro (NM_001322011.2, NM_001322012.2); c.1082A>C, p.His361Pro (NM_001322013.2, NM_001406909.1); c.1655A>C, p.His552Pro (NM_001322014.2, NM_001406871.1, NM_001406872.1); c.1346A>C, p.His449Pro (NM_001322015.2, NM_001406880.1, NM_001406881.1 and 5 more transcripts); c.1841A>C, p.His614Pro (NM_001406866.1); c.1679A>C, p.His560Pro (NM_001406868.1); c.1547A>C, p.His516Pro (NM_001406869.1); and 13 more; short protein forms H241P, H365P, H417P, H500P, H560P, H614P, H430P, H361P.
Identifiers: ClinVar variation 5026909 (VCV005026909.1).

ClinVar aggregate classification (germline): Uncertain significance (1 of 4 stars; one submission).

Conditions:
Hereditary cancer-predisposing syndrome. Also called: Neoplastic Syndromes, Hereditary; Tumor predisposition; Hereditary neoplastic syndrome; Hereditary Cancer Syndrome. Identifiers: Orphanet 140162, MedGen C0027672, MeSH D009386, MONDO:0015356.

Submission:

Ambry Genetics
Classification: Uncertain significance for Hereditary cancer-predisposing syndrome. Last evaluated: 2026-07-06. Review status: criteria provided, single submitter. Criteria: Ambry Variant Classification Scheme 2023. Collection method: clinical testing. Allele origin: germline.
Comment: The p.H552P variant (also known as c.1655A>C), located in coding exon 11 of the PMS2 gene, results from an A to C substitution at nucleotide position 1655. The histidine at codon 552 is replaced by proline, an amino acid with similar properties. This amino acid position is conserved. In addition, this alteration is predicted to be tolerated by in silico analysis. Based on the available evidence, the clinical significance of this variant remains unclear.